The following is an entry in ClinVar:

NM_153252.5(BRWD3):c.4288dup (p.Ile1430fs)

Gene: BRWD3 (bromodomain and WD repeat domain containing 3; minus strand). Cytogenetic location: Xq21.1.
Variant type: Duplication.
Coding change: c.4288dup on transcript NM_153252.5 (MANE Select); coding-DNA position 4288, one base duplicated (A; older notation c.4288dupA).
Protein change: p.Ile1430fs; shifts the reading frame from isoleucine 1430.
Molecular consequence: frameshift variant.
Genome position (GRCh38, 1-based): chrX:80,682,574, T duplicated on the plus strand (A on the coding strand, the reverse complement: BRWD3 is on the minus strand). VCF-style (leftmost placement, unchanged base first): chrX-80682573-A-AT. GRCh37 (hg19) VCF-style: chrX-79938072-A-AT.
Other names: short protein forms I1430fs.
Identifiers: ClinVar variation 2755363 (VCV002755363.3), dbSNP rs2520212203, ClinGen allele CA2697553175.

ClinVar aggregate classification (germline): Pathogenic (1 of 4 stars; one submission).

Submission:

Labcorp Genetics (formerly Invitae), Labcorp
Classification: Pathogenic. Last evaluated: 2023-10-12. Review status: criteria provided, single submitter. Criteria: Invitae Variant Classification Sherloc (09022015). Collection method: clinical testing. Allele origin: germline.
Comment: This sequence change creates a premature translational stop signal (p.Ile1430Asnfs*4) in the BRWD3 gene. It is expected to result in an absent or disrupted protein product. Loss-of-function variants in BRWD3 are known to be pathogenic (PMID: 17668385, 24462886). This variant is not present in population databases (gnomAD no frequency). This variant has not been reported in the literature in individuals affected with BRWD3-related conditions. For these reasons, this variant has been classified as Pathogenic.

Literature cited by the submitters: PubMed 17668385; PubMed 24462886.